The following is an entry in ClinVar:

NC_000023.11:g.101837488C>T

Gene: NXF5 (nuclear RNA export factor 5; minus strand). Cytogenetic location: Xq22.1.
Variant type: single nucleotide variant.
Molecular consequence: non-coding transcript variant (on NR_159736.1).
Genome position: GRCh38 VCF-style: chrX-101837488-C-T. GRCh37 (hg19) VCF-style: chrX-101092460-C-T.
Identifiers: ClinVar variation 2893476 (VCV002893476.3), dbSNP rs746365654, ClinGen allele CA10474461.
Genomic context (GRCh38, chrX:101,837,488, plus strand): 5'-AGAGCATCCTTTCCTGAAAAGGAAGCGCTCAGGTGCTCAGGATCCTCCTTAACCTCCTAC[C>T]CACCTCTGGCTCTCTGGGCCTGCCCGAGGGAGGAAGCAGGTGTTCACGGTCTGGTACCAC-3'

ClinVar aggregate classification (germline): Uncertain significance (1 of 4 stars; one submission).

Allele frequency attached by ClinVar (database versions not stated): 1000 Genomes Project 0.00026; ExAC 0.00001; TOPMed 0.00005; 1000 Genomes Project 30x 0.00021; gnomAD 0.00005.

Submission:

Labcorp Genetics (formerly Invitae), Labcorp
Classification: Uncertain significance. Last evaluated: 2025-06-18. Review status: criteria provided, single submitter. Criteria: Invitae Variant Classification Sherloc (09022015). Collection method: clinical testing. Allele origin: germline.
Comment: This sequence change falls in intron 15 of the NXF5 gene. It does not directly change the encoded amino acid sequence of the NXF5 protein. It affects a nucleotide within the consensus splice site. This variant is not present in population databases (gnomAD no frequency). This variant has not been reported in the literature in individuals affected with NXF5-related conditions. ClinVar contains an entry for this variant (Variation ID: 2893476). Variants that disrupt the consensus splice site are a relatively common cause of aberrant splicing (PMID: 17576681, 9536098). Algorithms developed to predict the effect of sequence changes on RNA splicing suggest that this variant is not likely to affect RNA splicing. In summary, the available evidence is currently insufficient to determine the role of this variant in disease. Therefore, it has been classified as a Variant of Uncertain Significance.

Literature cited by the submitters: PubMed 17576681; PubMed 9536098.